The following is an entry in ClinVar:

NM_019842.4(KCNQ5):c.1685G>A (p.Cys562Tyr)

Gene: KCNQ5 (potassium voltage-gated channel subfamily Q member 5; plus strand). Cytogenetic location: 6q13.
Variant type: single nucleotide variant.
Coding change: c.1685G>A on transcript NM_019842.4 (MANE Select); coding-DNA position 1685, G replaced by A.
Protein change: p.Cys562Tyr; replaces cysteine 562 with tyrosine.
Molecular consequence: missense variant.
Genome position (GRCh38, 1-based): chr6:73,190,680, G>A. VCF-style: chr6-73190680-G-A. GRCh37 (hg19) VCF-style: chr6-73900403-G-A.
Other names: c.1658G>A, p.Cys553Tyr (NM_001160130.2); c.1715G>A, p.Cys572Tyr (NM_001160132.2); c.1742G>A, p.Cys581Tyr (NM_001160133.2); c.1355G>A, p.Cys452Tyr (NM_001160134.2); short protein forms C553Y, C572Y, C452Y, C562Y, C581Y.
Identifiers: ClinVar variation 1363427 (VCV001363427.8), dbSNP rs777075623, ClinGen allele CA140914815.

ClinVar aggregate classification (germline): Uncertain significance (1 of 4 stars; one submission).

Allele frequency attached by ClinVar (database versions not stated): gnomAD exomes below 0.00001 and 0.00001; gnomAD 0.00001.
gnomAD v4.1: 14 of 1,588,704 alleles (0.00088%); highest among the groups gnomAD compares: Non-Finnish European, 0.0011%; no homozygotes.

Submission:

Labcorp Genetics (formerly Invitae), Labcorp
Classification: Uncertain significance. Last evaluated: 2024-10-25. Review status: criteria provided, single submitter. Criteria: Invitae Variant Classification Sherloc (09022015). Collection method: clinical testing. Allele origin: germline.
Comment: This sequence change replaces cysteine, which is neutral and slightly polar, with tyrosine, which is neutral and polar, at codon 581 of the KCNQ5 protein (p.Cys581Tyr). This variant is present in population databases (rs777075623, gnomAD 0.0009%). This variant has not been reported in the literature in individuals affected with KCNQ5-related conditions. ClinVar contains an entry for this variant (Variation ID: 1363427). Invitae Evidence Modeling of protein sequence and biophysical properties (such as structural, functional, and spatial information, amino acid conservation, physicochemical variation, residue mobility, and thermodynamic stability) indicates that this missense variant is not expected to disrupt KCNQ5 protein function with a negative predictive value of 80%. In summary, the available evidence is currently insufficient to determine the role of this variant in disease. Therefore, it has been classified as a Variant of Uncertain Significance.